The following is an entry in ClinVar:

NM_000179.3(MSH6):c.-48T>A

Genes: MSH6 (mutS homolog 6; plus strand), LOC129933706 (ATAC-STARR-seq lymphoblastoid silent region 11467; plus strand). Cytogenetic location: 2p16.3.
Variant type: single nucleotide variant.
Coding change: c.-48T>A on transcript NM_000179.3 (MANE Select); 48 bases upstream of the start codon, T replaced by A.
Molecular consequence: 5 prime UTR variant.
Genome position (GRCh38, 1-based): chr2:47,783,186, T>A. VCF-style: chr2-47783186-T-A. GRCh37 (hg19) VCF-style: chr2-48010325-T-A.
Other names: c.-48T>A (NM_001281492.2); c.-784T>A (NM_001281493.2).
Identifiers: ClinVar variation 508535 (VCV000508535.1), dbSNP rs964962194, ClinGen allele CA658795730.

ClinVar aggregate classification (germline): Likely benign (1 of 4 stars; one submission).

Allele frequency attached by ClinVar (database versions not stated): gnomAD exomes below 0.00001.
gnomAD v4.1: 1 of 1,606,652 alleles (0.000062%); highest among the groups gnomAD compares: Non-Finnish European, 0.000085%; no homozygotes.

Submission:

GeneDx
Classification: Likely benign. Last evaluated: 2017-03-31. Review status: criteria provided, single submitter. Criteria: GeneDx Variant Classification (06012015). Collection method: clinical testing. Allele origin: germline. Affected: yes.
Comment: This variant is considered likely benign or benign based on one or more of the following criteria: it is a conservative change, it occurs at a poorly conserved position in the protein, it is predicted to be benign by multiple in silico algorithms, and/or has population frequency not consistent with disease.